The following is an entry in ClinVar:

NM_001128178.3(NPHP1):c.1251A>G (p.Gly417=)

Gene: NPHP1 (nephrocystin 1; minus strand). Cytogenetic location: 2q13.
Variant type: single nucleotide variant.
Coding change: c.1251A>G on transcript NM_001128178.3 (MANE Select); coding-DNA position 1251, A replaced by G.
Protein change: p.Gly417=; no amino-acid change (glycine 417 retained).
Molecular consequence: synonymous variant.
Genome position (GRCh38, 1-based): chr2:110,147,934, T>C on the plus strand (A>G on the coding strand, the complement: NPHP1 is on the minus strand). VCF-style: chr2-110147934-T-C. GRCh37 (hg19) VCF-style: chr2-110905511-T-C.
Other names: c.1419A>G, p.Gly473= (NM_000272.5); c.1062A>G, p.Gly354= (NM_001128179.3); c.1248A>G, p.Gly416= (NM_001374256.1); c.1251A>G, p.Gly417= (NM_001374257.1); c.1416A>G, p.Gly472= (NM_207181.4); c.1419A>G (NM_000272.3).
Identifiers: ClinVar variation 3017128 (VCV003017128.5), dbSNP rs1681184093, ClinGen allele CA427925824.
Genomic context (GRCh38, chr2:110,147,934, plus strand): 5'-TTAACTGATACATTAGAAAGCCTTATCTTTCAACGGACATACATTGCGAATATAAGAAAT[T>C]CCAAGTTCAAATAATATTCCAAGATCTGGAGATGCAGAATTAGACCTGATAAAGCAATCA-3'
Protein context (NP_001121650.1, residues 407-427): SPDLGILFEL[Gly417=]ISYIRNSTGE

ClinVar aggregate classification (germline): Likely benign. Review status: criteria provided, single submitter (1 of 4 stars). 2 submissions from 2 submitters: Likely benign (1). 1 of the submissions does not count toward it. Last evaluated 2024-02-23.

Conditions:
Nephronophthisis. Also called: Juvenile Nephronophthisis. Identifiers: Orphanet 655, MedGen C0687120, MONDO:0019005, HP:0000090.
NPHP1-related disorder. Also called: NPHP1-related condition; NPHP1-related disorders.

Allele frequency attached by ClinVar (database versions not stated): TOPMed below 0.00001; gnomAD 0.00001.
gnomAD v4.1: 11 of 1,591,332 alleles (0.00069%); highest among the groups gnomAD compares: Non-Finnish European, 0.00086%; no homozygotes.

Submissions (2):

Labcorp Genetics (formerly Invitae), Labcorp
Classification: Likely benign for Nephronophthisis. Last evaluated: 2024-02-23. Review status: criteria provided, single submitter. Criteria: Invitae Variant Classification Sherloc (09022015). Collection method: clinical testing. Allele origin: germline.

PreventionGenetics, part of Exact Sciences
Classification: Likely benign for NPHP1-related condition. Last evaluated: 2021-06-26. Review status: no assertion criteria provided. Collection method: clinical testing. Allele origin: germline. Not counted in ClinVar's aggregate classification.
Comment: This variant is classified as likely benign based on ACMG/AMP sequence variant interpretation guidelines (Richards et al. 2015 PMID: 25741868, with internal and published modifications).